The following is an entry in ClinVar:

NM_003611.3(OFD1):c.2600-1G>C

Gene: OFD1 (OFD1 centriole and centriolar satellite protein; plus strand). Cytogenetic location: Xp22.2.
Variant type: single nucleotide variant.
Coding change: c.2600-1G>C on transcript NM_003611.3 (MANE Select); the canonical splice acceptor site of the intron before coding-DNA position 2600, G replaced by C.
Molecular consequence: splice acceptor variant.
Genome position (GRCh38, 1-based): chrX:13,767,126, G>C. VCF-style: chrX-13767126-G-C. GRCh37 (hg19) VCF-style: chrX-13785245-G-C.
Other names: c.2180-1G>C (NM_001330210.2); c.2489-1G>C (NM_001440947.1); c.2480-1G>C (NM_001330209.2); c.2369-1G>C (NM_001440948.1).
Identifiers: ClinVar variation 4292321 (VCV004292321.2).
Genomic context (GRCh38, chrX:13,767,126, plus strand): 5'-GTCCTGCATTCATTTGAATAATCTGATACTGGAAGCTACTCTTTATTTTCTGTCCTATTA[G>C]GTGTAGATCAGAAACAAATTGAAGAACAAAAGGAAGAAGAAAAAATACGGGAACAGCAAG-3'

ClinVar aggregate classification (germline): Pathogenic/Likely pathogenic. Review status: criteria provided, multiple submitters, no conflicts (2 of 4 stars). 2 submissions from 2 submitters: Pathogenic (1); Likely pathogenic (1). Last evaluated 2025-05-23.

Conditions:
Orofaciodigital syndrome I (OFD1). Also called: OFDS I; Papillon-Leage and Psaume Syndrome; Oral-Facial-Digital Syndrome Type I. Identifiers: Orphanet 2750, MedGen C1510460, MONDO:0010702, OMIM 311200.

gnomAD v4.1: 2 of 1,205,172 alleles (0.00017%); highest among the groups gnomAD compares: African/African-American, 0.0017%; no homozygotes.

Submissions (2):

Department of Pediatrics and Child Health, Lancet General Hospital
Classification: Likely pathogenic for Orofaciodigital syndrome I. Last evaluated: 2025-05-23. Review status: criteria provided, single submitter. Criteria: ACMG Guidelines, 2015. Collection method: provider interpretation. Allele origin: germline. Inheritance: X-linked inheritance. Affected: no. Observed: 1 variant allele, 1 hemizygote.
Comment: OFD1(NM_003611.3):c.2600-1G>C (p.?) is a likely pathogenic variant associated with X-linked OFD1-related ciliopathies. Pathogenic variants in OFD1 were found to be associated with X‐linked intellectual disability, Joubert syndrome type 10 (JBTS10), Simpson‐Golabi‐Behmel syndrome type 2 (SGBS2), retinitis pigmentosa and primary ciliary dyskinesia (PCD)( PMID: 31373179). This variant replaces a guanine for a cytosine in the splicing region, disrupting the acceptor splice donor site of exon 20. This affects a strictly conserved invariant nucleotide (the 'G' of the AG splice acceptor site), and alters the sequence required for intron removal. At this position, this is expected to result in altered or absent protein (loss of function), which is an established mechanism of disease for OFD1. However, OFD1:NM_003611.3:c.2600-1 G > C, which was identified in hemizygosity in 3 families was found to cause in-frame aberration when tested on RT-PCR. The lack of phenotype could be related to the in-frame nature of the splicing aberration, allowing some functional protein to remain(DOI 10.1038/s41467-023-40909-3). To our knowledge, this variant has not been reported in the clinical literature in affected individuals. This variant has been identified in 2/1205172 alleles from large control population databases (gnomAD; dbSNP rs1258684357), and is absent in ClinVar. In summary, the c.2600-1G>C variant meets ACMG criteria (ACMG, PMID: 25741868) to be classified as likely pathogenic for X-linked OFD1-related ciliopathies.

3billion
Classification: Pathogenic for Orofaciodigital syndrome I. Last evaluated: 2025-03-18. Review status: criteria provided, single submitter. Criteria: ACMG Guidelines, 2015. Collection method: clinical testing. Allele origin: germline. Affected: yes.
Comment: The variant is observed at an extremely low frequency in the gnomAD v4.1.0 dataset (total allele frequency: <0.001%). Predicted Consequence/Location: Canonical splice site: predicted to alter splicing and result in a loss or disruption of normal protein function. Multiple pathogenic loss-of-function variants are reported downstream of the variant. in silico tools predict the variant to alter splicing and produce an abnormal transcript [SpliceAI: 0.93 (spliceogenicity >=0.2, non-spliceogenicity <0.1)]. The variant has been reported to be associated with OFD1-related disorder (3billion dataset). Therefore, this variant is classified as Pathogenic according to the recommendation of ACMG/AMP guideline.

Literature cited by the submitters: PubMed 31373179 (cited by Department of Pediatrics and Child Health, Lancet General Hospital); DOI 10.1038/s41467-023-40909-3 (cited by Department of Pediatrics and Child Health, Lancet General Hospital).